The following is an entry in ClinVar:

ClinVar aggregate classification (germline): Benign/Likely benign. Review status: criteria provided, multiple submitters, no conflicts (2 of 4 stars). 5 submissions from 5 submitters: Benign (1); Likely benign (4). Last evaluated 2025-03-25.

Conditions:
Hereditary cancer-predisposing syndrome. Also called: Tumor predisposition; Neoplastic Syndromes, Hereditary; Hereditary Cancer Syndrome; Hereditary neoplastic syndrome. Identifiers: Orphanet 140162, MedGen C0027672, MeSH D009386, MONDO:0015356.
Peutz-Jeghers syndrome (PJS). Also called: POLYPOSIS, HAMARTOMATOUS INTESTINAL; POLYPS-AND-SPOTS SYNDROME; Peutz-Jeghers polyposis; Periorificial lentiginosis syndrome. Identifiers: Orphanet 2869, MedGen C0031269, MeSH D010580, MONDO:0008280, OMIM 175200.

Allele frequency attached by ClinVar (database versions not stated): gnomAD 0.00001; TOPMed 0.00001.
gnomAD v4.1: 1 of 1,613,862 alleles (0.000062%); highest among the groups gnomAD compares: African/African-American, 0.0013%; no homozygotes.

Submissions (5):

Myriad Genetics, Inc.
Classification: Benign for Peutz-Jeghers syndrome. Last evaluated: 2025-03-25. Review status: criteria provided, single submitter. Criteria: Myriad Autosomal Dominant, Autosomal Recessive and X-Linked Classification Criteria (2023). Collection method: clinical testing. Allele origin: unknown.
Comment: This variant is considered benign. This variant is a silent/synonymous amino acid change and it is not expected to impact splicing.

All of Us Research Program, National Institutes of Health
Classification: Likely benign for Peutz-Jeghers syndrome. Last evaluated: 2024-03-05. Review status: criteria provided, single submitter. Criteria: ACMG Guidelines, 2015. Collection method: clinical testing. Allele origin: germline. Inheritance: Autosomal dominant inheritance. Observed: 1 variant allele, 1 heterozygote.
Comment: This study involves interpretation of variants in research participants for the purpose of population health screening. Participant phenotype was not available at the time of variant classification. Additional details can be found in publication PMID: 35346344, PMCID: PMC8962531

Labcorp Genetics (formerly Invitae), Labcorp
Classification: Likely benign for Peutz-Jeghers syndrome. Last evaluated: 2024-01-03. Review status: criteria provided, single submitter. Criteria: Invitae Variant Classification Sherloc (09022015). Collection method: clinical testing. Allele origin: germline.

GeneDx
Classification: Likely benign. Last evaluated: 2019-12-16. Review status: criteria provided, single submitter. Criteria: GeneDx Variant Classification Process June 2021. Collection method: clinical testing. Allele origin: germline. Affected: yes.

Color Diagnostics, LLC DBA Color Health
Classification: Likely benign for Hereditary cancer-predisposing syndrome. Last evaluated: 2017-10-20. Review status: criteria provided, single submitter. Criteria: ACMG Guidelines, 2015. Collection method: clinical testing. Allele origin: germline.

NM_000455.5(STK11):c.186G>A (p.Lys62=)

Gene: STK11 (serine/threonine kinase 11; plus strand). Cytogenetic location: 19p13.3.
Variant type: single nucleotide variant.
Coding change: c.186G>A on transcript NM_000455.5 (MANE Select); coding-DNA position 186, G replaced by A.
Protein change: p.Lys62=; no amino-acid change (lysine 62 retained).
Molecular consequence: synonymous variant.
Genome position (GRCh38, 1-based): chr19:1,207,099, G>A. VCF-style: chr19-1207099-G-A. GRCh37 (hg19) VCF-style: chr19-1207098-G-A.
Identifiers: ClinVar variation 492520 (VCV000492520.16), dbSNP rs1215771465, ClinGen allele CA504706289.